The following is an entry in ClinVar:

NM_001849.4(COL6A2):c.1838C>G (p.Ala613Gly)

Gene: COL6A2 (collagen type VI alpha 2 chain; plus strand). Cytogenetic location: 21q22.3.
Variant type: single nucleotide variant.
Coding change: c.1838C>G on transcript NM_001849.4 (MANE Select); coding-DNA position 1838, C replaced by G.
Protein change: p.Ala613Gly; replaces alanine 613 with glycine.
Molecular consequence: missense variant.
Genome position (GRCh38, 1-based): chr21:46,125,486, C>G. VCF-style: chr21-46125486-C-G. GRCh37 (hg19) VCF-style: chr21-47545400-C-G.
Other names: c.1838C>G, p.Ala613Gly (NM_058174.3, NM_058175.3); short protein forms A613G.
Identifiers: ClinVar variation 2164964 (VCV002164964.6), dbSNP rs929008624, ClinGen allele CA321972281.
Genomic context (GRCh38, chr21:46,125,486, plus strand): 5'-TCTCCCCGGTACCCCCCGATGACCCTGCCACCCCCCCAGACTGTGAGAAGCGCTGTGGCG[C>G]CCTGGACGTGGTCTTCGTCATCGACAGCTCCGAGAGCATTGGGTACACCAACTTCACACT-3'
Protein context (NP_001840.3, residues 603-623): GCCDCEKRCG[Ala613Gly]LDVVFVIDSS

ClinVar aggregate classification (germline): Uncertain significance. Review status: criteria provided, multiple submitters, no conflicts (2 of 4 stars). 2 submissions from 2 submitters: Uncertain significance (2). Last evaluated 2025-02-26.

Conditions:
Bethlem myopathy 1A. Also called: Bethlem Muscular Dystrophy; Bethlem myopathy 1; MYOPATHY, BENIGN CONGENITAL, WITH CONTRACTURES. Identifiers: Orphanet 610, MedGen CN029274, MONDO:0024530, OMIM 158810.

Allele frequency attached by ClinVar (database versions not stated): TOPMed below 0.00001.
gnomAD v4.1: 4 of 1,612,876 alleles (0.00025%); highest among the groups gnomAD compares: Non-Finnish European, 0.00034%; no homozygotes.

Submissions (2):

Revvity Omics, Revvity
Classification: Uncertain significance. Last evaluated: 2025-02-26. Review status: criteria provided, single submitter. Criteria: ACMG Guidelines, 2015. Collection method: clinical testing. Allele origin: germline.

Labcorp Genetics (formerly Invitae), Labcorp
Classification: Uncertain significance for Bethlem myopathy 1A. Last evaluated: 2022-02-11. Review status: criteria provided, single submitter. Criteria: Invitae Variant Classification Sherloc (09022015). Collection method: clinical testing. Allele origin: germline.
Comment: Algorithms developed to predict the effect of missense changes on protein structure and function are either unavailable or do not agree on the potential impact of this missense change (SIFT: "Deleterious"; PolyPhen-2: "Benign"; Align-GVGD: "Class C0"). This variant is not present in population databases (gnomAD no frequency). This variant has not been reported in the literature in individuals affected with COL6A2-related conditions. In summary, the available evidence is currently insufficient to determine the role of this variant in disease. Therefore, it has been classified as a Variant of Uncertain Significance. This sequence change replaces alanine, which is neutral and non-polar, with glycine, which is neutral and non-polar, at codon 613 of the COL6A2 protein (p.Ala613Gly).